The following is an entry in ClinVar:

NM_001734.5(C1S):c.1939T>G (p.Phe647Val)

Gene: C1S (complement C1s; plus strand). Cytogenetic location: 12p13.31.
Variant type: single nucleotide variant.
Coding change: c.1939T>G on transcript NM_001734.5 (MANE Select); coding-DNA position 1939, T replaced by G.
Protein change: p.Phe647Val; replaces phenylalanine 647 with valine.
Molecular consequence: missense variant.
Genome position (GRCh38, 1-based): chr12:7,070,523, T>G. VCF-style: chr12-7070523-T-G. GRCh37 (hg19) VCF-style: chr12-7177827-T-G.
Other names: c.1438T>G, p.Phe480Val (NM_001346850.2); c.1939T>G, p.Phe647Val (NM_201442.4); short protein forms F647V, F480V.
Identifiers: ClinVar variation 2101066 (VCV002101066.4), dbSNP rs782236829, ClinGen allele CA6423861.
Genomic context (GRCh38, chr12:7,070,523, plus strand): 5'-AGCTGTAAAGGGGACAGTGGTGGGGCCTTTGCTGTACAGGATCCCAATGACAAGACCAAA[T>G]TCTACGCAGCTGGCCTGGTGTCCTGGGGGCCCCAGTGTGGGACCTATGGGCTCTACACAC-3'
Protein context (NP_001725.1, residues 637-657): AVQDPNDKTK[Phe647Val]YAAGLVSWGP

ClinVar aggregate classification (germline): Uncertain significance (1 of 4 stars; one submission).

Allele frequency attached by ClinVar (database versions not stated): gnomAD exomes 0.00001; ExAC 0.00002.
gnomAD v4.1: 15 of 1,613,842 alleles (0.00093%); highest among the groups gnomAD compares: South Asian, 0.015%; no homozygotes.

Submission:

Labcorp Genetics (formerly Invitae), Labcorp
Classification: Uncertain significance. Last evaluated: 2022-08-05. Review status: criteria provided, single submitter. Criteria: Invitae Variant Classification Sherloc (09022015). Collection method: clinical testing. Allele origin: germline.
Comment: In summary, the available evidence is currently insufficient to determine the role of this variant in disease. Therefore, it has been classified as a Variant of Uncertain Significance. Algorithms developed to predict the effect of missense changes on protein structure and function are either unavailable or do not agree on the potential impact of this missense change (SIFT: "Deleterious"; PolyPhen-2: "Benign"; Align-GVGD: "Class C15"). This variant has not been reported in the literature in individuals affected with C1S-related conditions. This variant is present in population databases (rs782236829, gnomAD 0.007%). This sequence change replaces phenylalanine, which is neutral and non-polar, with valine, which is neutral and non-polar, at codon 647 of the C1S protein (p.Phe647Val).